The following is an entry in ClinVar:

NM_002292.4(LAMB2):c.4140C>A (p.Asn1380Lys)

Gene: LAMB2 (laminin subunit beta 2; minus strand). Cytogenetic location: 3p21.31.
Variant type: single nucleotide variant.
Coding change: c.4140C>A on transcript NM_002292.4 (MANE Select); coding-DNA position 4140, C replaced by A.
Protein change: p.Asn1380Lys; replaces asparagine 1380 with lysine.
Molecular consequence: missense variant.
Genome position (GRCh38, 1-based): chr3:49,123,216, G>T on the plus strand (C>A on the coding strand, the complement: LAMB2 is on the minus strand). VCF-style: chr3-49123216-G-T. GRCh37 (hg19) VCF-style: chr3-49160649-G-T.
Other names: short protein forms N1380K.
Identifiers: ClinVar variation 242783 (VCV000242783.14), dbSNP rs267607207, ClinGen allele CA074242.

ClinVar aggregate classification (germline): Uncertain significance. Review status: criteria provided, multiple submitters, no conflicts (2 of 4 stars). 5 submissions from 4 submitters: Uncertain significance (5). Last evaluated 2025-01-20.

Conditions:
Pierson syndrome. Also called: MICROCORIA-CONGENITAL NEPHROTIC SYNDROME. Identifiers: Orphanet 2670, MedGen C1836876, MONDO:0012184, OMIM 609049.
LAMB2-related infantile-onset nephrotic syndrome. Also called: Nephrotic Syndrome, type 5; NEPHROTIC SYNDROME, TYPE 5, WITHOUT OCULAR ABNORMALITIES; NEPHROTIC SYNDROME, TYPE 5, WITH OCULAR ABNORMALITIES. Identifiers: Orphanet 306507, MedGen C3280113, MONDO:0013621, OMIM 614199.

Allele frequency attached by ClinVar (database versions not stated): gnomAD exomes 0.00025 and 0.00045; TOPMed 0.00025; ExAC 0.00026; gnomAD 0.00028 and 0.00026; ESP Exome Variant Server 0.00031.

Submissions (5):

Labcorp Genetics (formerly Invitae), Labcorp
Classification: Uncertain significance for LAMB2-related infantile-onset nephrotic syndrome; Pierson syndrome. Last evaluated: 2025-01-20. Review status: criteria provided, single submitter. Criteria: Invitae Variant Classification Sherloc (09022015). Collection method: clinical testing. Allele origin: germline.
Comment: This sequence change replaces asparagine, which is neutral and polar, with lysine, which is basic and polar, at codon 1380 of the LAMB2 protein (p.Asn1380Lys). This variant is present in population databases (rs267607207, gnomAD 0.06%). This missense change has been observed in individual(s) with congenital nephrotic syndrome (PMID: 16912710). ClinVar contains an entry for this variant (Variation ID: 242783). An algorithm developed to predict the effect of missense changes on protein structure and function (PolyPhen-2) suggests that this variant¬¨‚Ä†is likely to be tolerated. In summary, the available evidence is currently insufficient to determine the role of this variant in disease. Therefore, it has been classified as a Variant of Uncertain Significance.

Blueprint Genetics
Classification: Uncertain significance. Last evaluated: 2024-10-22. Review status: criteria provided, single submitter. Criteria: ACMG Guidelines, 2015. Collection method: clinical testing. Allele origin: germline.

Fulgent Genetics
Classification: Uncertain significance for Pierson syndrome; LAMB2-related infantile-onset nephrotic syndrome. Last evaluated: 2024-01-29. Review status: criteria provided, single submitter. Criteria: ACMG Guidelines, 2015. Collection method: clinical testing. Allele origin: germline.

Illumina Laboratory Services, Illumina
Classification: Uncertain significance for LAMB2-related infantile-onset nephrotic syndrome. Last evaluated: 2017-04-27. Review status: criteria provided, single submitter. Criteria: ICSL Variant Classification Criteria 13 December 2019. Collection method: clinical testing. Allele origin: germline.

Illumina Laboratory Services, Illumina
Classification: Uncertain significance for Pierson syndrome. Last evaluated: 2017-04-27. Review status: criteria provided, single submitter. Criteria: ICSL Variant Classification Criteria 13 December 2019. Collection method: clinical testing. Allele origin: germline.

Literature cited by the submitters: PubMed 16912710 (cited by Labcorp Genetics (formerly Invitae), Labcorp).